The following is an entry in ClinVar:

NM_001353345.2(SETD1B):c.4478A>G (p.Gln1493Arg)

Gene: SETD1B (SET domain containing 1B, histone lysine methyltransferase; plus strand). Cytogenetic location: 12q24.31.
Variant type: single nucleotide variant.
Coding change: c.4478A>G on transcript NM_001353345.2 (MANE Select); coding-DNA position 4478, A replaced by G.
Protein change: p.Gln1493Arg; replaces glutamine 1493 with arginine.
Molecular consequence: missense variant.
Genome position (GRCh38, 1-based): chr12:121,823,057, A>G. VCF-style: chr12-121823057-A-G. GRCh37 (hg19) VCF-style: chr12-122260963-A-G.
Other names: short protein forms Q1493R.
Identifiers: ClinVar variation 3342810 (VCV003342810.1).

ClinVar aggregate classification (germline): Uncertain significance (1 of 4 stars; one submission).

Submission:

GeneDx
Classification: Uncertain significance. Last evaluated: 2024-02-26. Review status: criteria provided, single submitter. Criteria: GeneDx Variant Classification Process June 2021. Collection method: clinical testing. Allele origin: germline. Affected: yes.
Comment: Not observed at significant frequency in large population cohorts (gnomAD); In silico analysis supports that this missense variant does not alter protein structure/function; Has not been previously published as pathogenic or benign to our knowledge